The following is an entry in ClinVar:

ClinVar aggregate classification (germline): Uncertain significance (1 of 4 stars; one submission).

gnomAD v4.1: 3 of 1,609,668 alleles (0.00019%); highest among the groups gnomAD compares: Non-Finnish European, 0.00026%; no homozygotes.

Submission:

Women's Health and Genetics/Laboratory Corporation of America, LabCorp
Classification: Uncertain significance. Last evaluated: 2024-05-14. Review status: criteria provided, single submitter. Criteria: LabCorp Variant Classification Summary - May 2015. Collection method: clinical testing. Allele origin: germline.
Comment: Variant summary: CLCN1 c.1412C>T (p.Ser471Phe) results in a non-conservative amino acid change in the encoded protein sequence. Five of five in-silico tools predict a damaging effect of the variant on protein function. The variant was absent in 251488 control chromosomes. The available data on variant occurrences in the general population are insufficient to allow any conclusion about variant significance. c.1412C>T has been reported in the literature in a heterozygous individual affected with Myotonia congenita (example: Jou_2004). These data do not allow any conclusion about variant significance. Two publications report experimental evidence evaluating an impact on protein function. These results showed no damaging effect of this variant in an Xenopus oocyte system (examples: Lin_2006, Lin_2008). The following publications have been ascertained in the context of this evaluation (PMID: 15311340, 18035046, 17097617). No submitters have cited clinical-significance assessments for this variant to ClinVar. Based on the evidence outlined above, the variant was classified as uncertain significance.

Literature cited by the submitters: PubMed 34790634; PubMed 15311340; PubMed 17097617; PubMed 18035046.

NM_000083.3(CLCN1):c.1412C>T (p.Ser471Phe)

Gene: CLCN1 (chloride voltage-gated channel 1; plus strand). Cytogenetic location: 7q34.
Variant type: single nucleotide variant.
Coding change: c.1412C>T on transcript NM_000083.3 (MANE Select); coding-DNA position 1412, C replaced by T.
Protein change: p.Ser471Phe; replaces serine 471 with phenylalanine.
Molecular consequence: missense variant. On other transcripts: non-coding transcript variant (1).
Genome position (GRCh38, 1-based): chr7:143,339,263, C>T. VCF-style: chr7-143339263-C-T. GRCh37 (hg19) VCF-style: chr7-143036356-C-T.
Other names: short protein forms S471F.
Identifiers: ClinVar variation 3336600 (VCV003336600.1), dbSNP rs80356693.
Genomic context (GRCh38, chr7:143,339,263, plus strand): 5'-GTCTATTGGGCAGAGTTGAAAGGGTATTCCAACGCTTCTTTCTACTCCAGTTCTGGATGT[C>T]CATCGTGGCCACCACTATGCCCATACCCTGCGGAGGCTTCATGCCTGTGTTTGTGCTAGG-3'
Protein context (NP_000074.3, residues 461-481): FLFFVMKFWM[Ser471Phe]IVATTMPIPC